The following is an entry in ClinVar:

NM_005677.4(COLQ):c.955-175A>G

Gene: COLQ (collagen like tail subunit of asymmetric acetylcholinesterase; minus strand). Cytogenetic location: 3p25.1.
Variant type: single nucleotide variant.
Coding change: c.955-175A>G on transcript NM_005677.4 (MANE Select); 175 bases into the intron before coding-DNA position 955, A replaced by G.
Molecular consequence: intron variant.
Genome position (GRCh38, 1-based): chr3:15,456,754, T>C on the plus strand (A>G on the coding strand, the complement: COLQ is on the minus strand). VCF-style: chr3-15456754-T-C. GRCh37 (hg19) VCF-style: chr3-15498261-T-C.
Other names: c.853-175A>G (NM_080539.4); c.925-175A>G (NM_080538.2).
Identifiers: ClinVar variation 679262 (VCV000679262.2), dbSNP rs11128745, ClinGen allele CA11437817.

ClinVar aggregate classification (germline): Benign. Review status: criteria provided, multiple submitters, no conflicts (2 of 4 stars). 2 submissions from 2 submitters: Benign (2). Last evaluated 2018-06-16.

Allele frequency attached by ClinVar (database versions not stated): gnomAD 0.48712 and 0.48753; TOPMed 0.50895; 1000 Genomes Project 0.52756; 1000 Genomes Project 30x 0.52811.
gnomAD v4.1: 74,093 of 151,846 alleles (49%); highest among the groups gnomAD compares: East Asian, 62%; 18,552 homozygotes.

Submissions (2):

GeneDx
Classification: Benign. Last evaluated: 2018-06-16. Review status: criteria provided, single submitter. Criteria: GeneDx Variant Classification (06012015). Collection method: clinical testing. Allele origin: germline. Affected: yes.
Comment: This variant is considered likely benign or benign based on one or more of the following criteria: it is a conservative change, it occurs at a poorly conserved position in the protein, it is predicted to be benign by multiple in silico algorithms, and/or has population frequency not consistent with disease.

Breakthrough Genomics
Classification: Benign. Review status: criteria provided, single submitter. Criteria: ACMG Guidelines, 2015. Collection method: not provided. Allele origin: germline. Inheritance: Autosomal recessive inheritance. Affected: yes.